The following is an entry in ClinVar:

NM_001261826.3(AP3D1):c.2080C>G (p.Gln694Glu)

Gene: AP3D1 (adaptor related protein complex 3 subunit delta 1; minus strand). Cytogenetic location: 19p13.3.
Variant type: single nucleotide variant.
Coding change: c.2080C>G on transcript NM_001261826.3 (MANE Select); coding-DNA position 2080, C replaced by G.
Protein change: p.Gln694Glu; replaces glutamine 694 with glutamic acid.
Molecular consequence: missense variant.
Genome position (GRCh38, 1-based): chr19:2,115,607, G>C on the plus strand (C>G on the coding strand, the complement: AP3D1 is on the minus strand). VCF-style: chr19-2115607-G-C. GRCh37 (hg19) VCF-style: chr19-2115606-G-C.
Other names: c.2080C>G, p.Gln694Glu (NM_001374799.1, NM_003938.8); short protein forms Q694E.
Identifiers: ClinVar variation 2778241 (VCV002778241.3), dbSNP rs774179746, ClinGen allele CA9059025.

ClinVar aggregate classification (germline): Uncertain significance (1 of 4 stars; one submission).

Allele frequency attached by ClinVar (database versions not stated): gnomAD exomes 0.00001; ExAC 0.00002.
gnomAD v4.1: 10 of 1,612,334 alleles (0.00062%); highest among the groups gnomAD compares: Non-Finnish European, 0.00076%; no homozygotes.

Submission:

Labcorp Genetics (formerly Invitae), Labcorp
Classification: Uncertain significance. Last evaluated: 2023-08-24. Review status: criteria provided, single submitter. Criteria: Invitae Variant Classification Sherloc (09022015). Collection method: clinical testing. Allele origin: germline.
Comment: This variant has not been reported in the literature in individuals affected with AP3D1-related conditions. In summary, the available evidence is currently insufficient to determine the role of this variant in disease. Therefore, it has been classified as a Variant of Uncertain Significance. An algorithm developed to predict the effect of missense changes on protein structure and function (PolyPhen-2) suggests that this variant is likely to be tolerated. This variant is present in population databases (rs774179746, gnomAD 0.005%). This sequence change replaces glutamine, which is neutral and polar, with glutamic acid, which is acidic and polar, at codon 694 of the AP3D1 protein (p.Gln694Glu).